The following is an entry in ClinVar:

ClinVar aggregate classification (germline): Likely pathogenic (1 of 4 stars; one submission).

Conditions:
Hereditary cancer-predisposing syndrome. Also called: Neoplastic Syndromes, Hereditary; Tumor predisposition; Hereditary Cancer Syndrome; Hereditary neoplastic syndrome. Identifiers: Orphanet 140162, MedGen C0027672, MeSH D009386, MONDO:0015356.

Submission:

Ambry Genetics
Classification: Likely pathogenic for Hereditary cancer-predisposing syndrome. Last evaluated: 2026-06-03. Review status: criteria provided, single submitter. Criteria: Ambry Variant Classification Scheme 2023. Collection method: clinical testing. Allele origin: germline.
Comment: The c.1022+2dupT intronic variant results from a duplication of one nucleotide at position 1022 after intron 8 of the SUFU gene. This variant is considered to be rare based on population cohorts in the Genome Aggregation Database (gnomAD). The affected nucleotide positions at +3 and +5 are highly conserved on sequence alignment in available vertebrate species. In silico splice site analysis predicts that this alteration will weaken the native splice donor site. RNA studies have demonstrated that this variant results in abnormal splicing in the set of samples tested (Ambry internal data). Another variant impacting the same donor site (c.1022+1G>A) has been shown to have a similar impact on splicing (Ambry internal data) and has been reported in individuals with features consistent with SUFU-related disorders (Slade I et al. Fam Cancer, 2011 Jun;10:337-42; Pastorino L et al. Am J Med Genet A, 2009 Jul;149A:1539-43; Ambry internal data). Based on the majority of available evidence to date, this variant is likely to be pathogenic.

NM_016169.4(SUFU):c.1022+2dup

Gene: SUFU (SUFU negative regulator of hedgehog signaling; plus strand). Cytogenetic location: 10q24.32.
Variant type: Duplication.
Coding change: c.1022+2dup on transcript NM_016169.4 (MANE Select); the canonical splice donor site of the intron after coding-DNA position 1022, one base duplicated (T; older notation c.1022+2dupT).
Molecular consequence: splice donor variant.
Genome position (GRCh38, 1-based): chr10:102,599,546, T duplicated. VCF-style (leftmost placement, unchanged base first): chr10-102599545-G-GT. GRCh37 (hg19) VCF-style: chr10-104359302-G-GT.
Other names: c.1022+2dup (NM_001178133.2).
Identifiers: ClinVar variation 3451143 (VCV003451143.2).